The following is an entry in ClinVar:

NM_138295.5(PKD1L1):c.528C>T (p.Gly176=)

Gene: PKD1L1 (polycystin 1 like 1, transient receptor potential channel interacting; minus strand). Cytogenetic location: 7p12.3.
Variant type: single nucleotide variant.
Coding change: c.528C>T on transcript NM_138295.5 (MANE Select); coding-DNA position 528, C replaced by T.
Protein change: p.Gly176=; no amino-acid change (glycine 176 retained).
Molecular consequence: synonymous variant.
Genome position (GRCh38, 1-based): chr7:47,931,313, G>A on the plus strand (C>T on the coding strand, the complement: PKD1L1 is on the minus strand). VCF-style: chr7-47931313-G-A. GRCh37 (hg19) VCF-style: chr7-47970910-G-A.
Identifiers: ClinVar variation 729938 (VCV000729938.10), dbSNP rs139628743, ClinGen allele CA4254313.

ClinVar aggregate classification (germline): Benign. Review status: criteria provided, single submitter (1 of 4 stars). 2 submissions from 2 submitters: Benign (1). 1 of the submissions does not count toward it. Last evaluated 2025-12-13.

Conditions:
PKD1L1-related disorder. Also called: PKD1L1-related condition.

Allele frequency attached by ClinVar (database versions not stated): gnomAD exomes 0.00010 and 0.00032; ExAC 0.00038; gnomAD 0.00100 and 0.00108; ESP Exome Variant Server 0.00115; TOPMed 0.00115; 1000 Genomes Project 0.00120; 1000 Genomes Project 30x 0.00125.
gnomAD v4.1: 303 of 1,614,214 alleles (0.019%); highest among the groups gnomAD compares: African/African-American, 0.37%; 1 homozygote.

Submissions (2):

Labcorp Genetics (formerly Invitae), Labcorp
Classification: Benign. Last evaluated: 2025-12-13. Review status: criteria provided, single submitter. Criteria: Invitae Variant Classification Sherloc (09022015). Collection method: clinical testing. Allele origin: germline.

PreventionGenetics, part of Exact Sciences
Classification: Likely benign for PKD1L1-related condition. Last evaluated: 2021-03-10. Review status: no assertion criteria provided. Collection method: clinical testing. Allele origin: germline. Not counted in ClinVar's aggregate classification.
Comment: This variant is classified as likely benign based on ACMG/AMP sequence variant interpretation guidelines (Richards et al. 2015 PMID: 25741868, with internal and published modifications).